The following is an entry in ClinVar:

ClinVar aggregate classification (germline): Pathogenic/Likely pathogenic. Review status: criteria provided, multiple submitters, no conflicts (2 of 4 stars). 3 submissions from 3 submitters: Pathogenic (2); Likely pathogenic (1). Last evaluated 2024-06-18.

Conditions:
Diamond-Blackfan anemia. Also called: Blackfan Diamond syndrome; Aregenerative anemia chronic congenital; Red cell aplasia, pure hereditary; Congenital hypoplastic anemia; Aase syndrome. Identifiers: Orphanet 124, MedGen C1260899, MeSH D029503, MONDO:0015253, HP:0004810.

Submissions (3):

Dasa
Classification: Likely pathogenic. Last evaluated: 2024-06-18. Review status: criteria provided, single submitter. Criteria: DASA Assertion Criteria. Collection method: clinical testing. Allele origin: germline.
Comment: NM_001022.4(RPS19):c.3G>C (p.Met1?) is a start-loss variant predicted to alter the translation initiation codon and impair normal protein translation. Loss of function is an established disease mechanism for RPS19 (PMID: 10590074; PMID: 15384984; PMID: 15059149). This variant has been reported in individuals with RPS19-related disorders. Also, this variant is rare in population databases. Based on the currently available evidence, this variant is classified as likely pathogenic.

Labcorp Genetics (formerly Invitae), Labcorp
Classification: Pathogenic for Diamond-Blackfan anemia. Last evaluated: 2024-05-12. Review status: criteria provided, single submitter. Criteria: Invitae Variant Classification Sherloc (09022015). Collection method: clinical testing. Allele origin: germline.
Comment: This sequence change affects the initiator methionine of the RPS19 mRNA. The next in-frame methionine is located at codon 75. This variant is not present in population databases (gnomAD no frequency). Disruption of the initiator codon has been observed in individuals with Diamond-Blackfan anemia (PMID: 11112378, 24675553, 27329125, 28376382). ClinVar contains an entry for this variant (Variation ID: 1736908). For these reasons, this variant has been classified as Pathogenic.

Ambry Genetics
Classification: Pathogenic for Diamond-Blackfan anemia. Last evaluated: 2016-08-04. Review status: criteria provided, single submitter. Criteria: Ambry Variant Classification Scheme 2023. Collection method: clinical testing. Allele origin: germline.
Comment: The p.M1? pathogenic mutation (also known as c.3G>C) is located in coding exon 1 of the RPS19 gene and results from a G to C substitution at nucleotide position 3. This alters the methionine residue at the initiation codon. This mutation was reported as a de novo occurrence in a patient with a clinical diagnosis of Diamond-Blackfan Anemia. The same study also described another affected individual with a mutation at the same codon (Ramenghi U et al. Blood Cells Mol. Dis., 2000 Oct;26:417-22). In addition to the clinical data presented in the literature, since sequence variations that modify the initiation codon (ATG) are expected to result in either loss of translation initiation, N-terminal truncation, or cause a shift in the mRNA reading frame, this alteration is interpreted as a disease-causing mutation.

Literature cited by the submitters: PubMed 10590074 (cited by Dasa); PubMed 15384984 (cited by Dasa); PubMed 15059149 (cited by Dasa); PubMed 11112378 (cited by Labcorp Genetics (formerly Invitae), Labcorp and Ambry Genetics); PubMed 24675553 (cited by Labcorp Genetics (formerly Invitae), Labcorp); PubMed 27329125 (cited by Labcorp Genetics (formerly Invitae), Labcorp); PubMed 28376382 (cited by Labcorp Genetics (formerly Invitae), Labcorp).

NM_001022.4(RPS19):c.3G>C (p.Met1Ile)

Genes: RPS19-CD79A (RPS19-CD79A readthrough; plus strand), RPS19 (ribosomal protein S19; plus strand). Cytogenetic location: 19q13.2.
Variant type: single nucleotide variant.
Coding change: c.3G>C on transcript NM_001022.4 (MANE Select); coding-DNA position 3, G replaced by C.
Protein change: p.Met1Ile; changes the start codon (methionine 1).
Molecular consequence: missense variant, initiator codon variant.
Genome position (GRCh38, 1-based): chr19:41,860,777, G>C. VCF-style: chr19-41860777-G-C. GRCh37 (hg19) VCF-style: chr19-42364847-G-C.
Other names: c.3G>C, p.Met1Ile (NM_001321483.2, NM_001321484.2, NM_001321485.2); short protein forms M1I.
Identifiers: ClinVar variation 1736908 (VCV001736908.7), dbSNP rs138938035, ClinGen allele CA406046034.